The following is an entry in ClinVar:

NM_002911.4(UPF1):c.681G>A (p.Ser227=)

Gene: UPF1 (UPF1 RNA helicase and ATPase; plus strand). Cytogenetic location: 19p13.11.
Variant type: single nucleotide variant.
Coding change: c.681G>A on transcript NM_002911.4 (MANE Select); coding-DNA position 681, G replaced by A.
Protein change: p.Ser227=; no amino-acid change (serine 227 retained).
Molecular consequence: synonymous variant.
Genome position (GRCh38, 1-based): chr19:18,850,739, G>A. VCF-style: chr19-18850739-G-A. GRCh37 (hg19) VCF-style: chr19-18961548-G-A.
Other names: c.681G>A, p.Ser227= (NM_001297549.2).
Identifiers: ClinVar variation 2649595 (VCV002649595.24), dbSNP rs1019270353, ClinGen allele CA306273671.

ClinVar aggregate classification (germline): Likely benign (1 of 4 stars; one submission).

Allele frequency attached by ClinVar (database versions not stated): TOPMed 0.00001.
gnomAD v4.1: 32 of 1,610,948 alleles (0.002%); highest among the groups gnomAD compares: Non-Finnish European, 0.0026%; no homozygotes.

Submission:

CeGaT Center for Human Genetics Tuebingen
Classification: Likely benign. Last evaluated: 2022-11-01. Review status: criteria provided, single submitter. Criteria: CeGaT Center For Human Genetics Tuebingen Variant Classification Criteria Version 2. Collection method: clinical testing. Allele origin: germline. Affected: yes. Observed: 1 variant allele.
Comment: UPF1: BP4, BP7